The following is an entry in ClinVar:

NM_001017930.2(DCAF8L1):c.629G>A (p.Arg210Gln)

Gene: DCAF8L1 (DDB1 and CUL4 associated factor 8 like 1; minus strand). Cytogenetic location: Xp21.3.
Variant type: single nucleotide variant.
Coding change: c.629G>A on transcript NM_001017930.2 (MANE Select); coding-DNA position 629, G replaced by A.
Protein change: p.Arg210Gln; replaces arginine 210 with glutamine.
Molecular consequence: missense variant.
Genome position (GRCh38, 1-based): chrX:27,980,706, C>T on the plus strand (G>A on the coding strand, the complement: DCAF8L1 is on the minus strand). VCF-style: chrX-27980706-C-T. GRCh37 (hg19) VCF-style: chrX-27998823-C-T.
Other names: short protein forms R210Q.
Identifiers: ClinVar variation 4658670 (VCV004658670.1).

ClinVar aggregate classification (germline): Uncertain significance (1 of 4 stars; one submission).

Submission:

Ambry Genetics
Classification: Uncertain significance. Last evaluated: 2025-11-26. Review status: criteria provided, single submitter. Criteria: Ambry Variant Classification Scheme 2023. Collection method: clinical testing. Allele origin: germline.
Comment: The c.629G>A (p.R210Q) alteration is located in exon 1 (coding exon 1) of the DCAF8L1 gene. This alteration results from a G to A substitution at nucleotide position 629, causing the arginine (R) at amino acid position 210 to be replaced by a glutamine (Q). Based on data from gnomAD, the A allele has an overall frequency of <0.001% (0/181137) total alleles studied. The highest observed frequency was <0.001% (/) of alleles. Based on insufficient or conflicting evidence, the clinical significance of this alteration remains unclear.